The following is an entry in ClinVar:

NM_032634.4(PIGO):c.2818G>A (p.Gly940Arg)

Gene: PIGO (phosphatidylinositol glycan anchor biosynthesis class O; minus strand). Cytogenetic location: 9p13.3.
Variant type: single nucleotide variant.
Coding change: c.2818G>A on transcript NM_032634.4 (MANE Select); coding-DNA position 2818, G replaced by A.
Protein change: p.Gly940Arg; replaces glycine 940 with arginine.
Molecular consequence: missense variant.
Genome position (GRCh38, 1-based): chr9:35,090,502, C>T on the plus strand (G>A on the coding strand, the complement: PIGO is on the minus strand). VCF-style: chr9-35090502-C-T. GRCh37 (hg19) VCF-style: chr9-35090499-C-T.
Other names: c.1567G>A, p.Gly523Arg (NM_001201484.2, NM_152850.4); short protein forms G523R, G940R.
Identifiers: ClinVar variation 1462005 (VCV001462005.8), dbSNP rs900520761, ClinGen allele CA192708742.

ClinVar aggregate classification (germline): Uncertain significance (1 of 4 stars; one submission).

Conditions:
Hyperphosphatasia with impaired intellectual development syndrome 2. Also called: Hyperphosphatasia with intellectual disability syndrome 2; GLYCOSYLPHOSPHATIDYLINOSITOL BIOSYNTHESIS DEFECT 6. Identifiers: Orphanet 247262, MedGen C3553637, MONDO:0013882, OMIM 614749.

Submission:

Labcorp Genetics (formerly Invitae), Labcorp
Classification: Uncertain significance for Hyperphosphatasia with impaired intellectual development syndrome 2. Last evaluated: 2020-11-13. Review status: criteria provided, single submitter. Criteria: Invitae Variant Classification Sherloc (09022015). Collection method: clinical testing. Allele origin: germline.
Comment: This sequence change replaces glycine with arginine at codon 940 of the PIGO protein (p.Gly940Arg). The glycine residue is moderately conserved and there is a moderate physicochemical difference between glycine and arginine. This variant is not present in population databases (ExAC no frequency). This variant has not been reported in the literature in individuals with PIGO-related conditions. Algorithms developed to predict the effect of missense changes on protein structure and function are either unavailable or do not agree on the potential impact of this missense change (SIFT: "Tolerated"; PolyPhen-2: "Probably Damaging"; Align-GVGD: "Class C0"). In summary, the available evidence is currently insufficient to determine the role of this variant in disease. Therefore, it has been classified as a Variant of Uncertain Significance.